The following is an entry in ClinVar:

ClinVar aggregate classification (germline): Benign. Review status: criteria provided, multiple submitters, no conflicts (2 of 4 stars). 3 submissions from 3 submitters: Benign (3). Last evaluated 2023-11-12.

Allele frequency attached by ClinVar (database versions not stated): ExAC 0.94826; ESP Exome Variant Server 0.87932; 1000 Genomes Project 30x 0.90116; 1000 Genomes Project 0.90675; TOPMed 0.88219.
gnomAD v4.1: 1,524,027 of 1,609,048 alleles (95%); highest among the groups gnomAD compares: East Asian, 100%; 724,163 homozygotes.

Submissions (3):

Unidad de Genómica Garrahan, Hospital de Pediatría Garrahan
Classification: Benign. Last evaluated: 2023-11-12. Review status: criteria provided, single submitter. Criteria: ACMG Guidelines, 2015. Collection method: clinical testing. Allele origin: germline. Affected: no. Observed: 86 variant alleles.
Comment: This variant is classified as Benign based on local population frequency. This variant was detected in 90% of patients studied by a panel of primary immunodeficiencies. Number of patients: 86. Only high quality variants are reported.

GeneDx
Classification: Benign. Last evaluated: 2021-05-14. Review status: criteria provided, single submitter. Criteria: GeneDx Variant Classification Process June 2021. Collection method: clinical testing. Allele origin: germline. Affected: yes.

Breakthrough Genomics
Classification: Benign. Review status: criteria provided, single submitter. Criteria: ACMG Guidelines, 2015. Collection method: not provided. Allele origin: germline. Inheritance: Autosomal recessive inheritance. Affected: yes.

NM_006254.4(PRKCD):c.116-55C>G

Gene: PRKCD (protein kinase C delta; plus strand). Cytogenetic location: 3p21.1.
Variant type: single nucleotide variant.
Coding change: c.116-55C>G on transcript NM_006254.4 (MANE Select); 55 bases into the intron before coding-DNA position 116, C replaced by G.
Molecular consequence: intron variant.
Genome position (GRCh38, 1-based): chr3:53,179,522, C>G. VCF-style: chr3-53179522-C-G. GRCh37 (hg19) VCF-style: chr3-53213538-C-G.
Other names: c.116-55C>G (NM_001354680.2, NM_001354679.2, NM_212539.2 and 1 more transcripts); c.173-55C>G (NM_001354676.2); c.164-55C>G (NM_001354678.2).
Identifiers: ClinVar variation 1225383 (VCV001225383.6), dbSNP rs2035451, ClinGen allele CA2451680.